The following is an entry in ClinVar:

ClinVar aggregate classification (germline): Conflicting classifications of pathogenicity. Review status: criteria provided, conflicting classifications (1 of 4 stars). 7 submissions from 7 submitters: Likely pathogenic (1); Uncertain significance (1); Benign (1); Likely benign (3). 1 of the submissions does not count toward it. Last evaluated 2026-05-29.

Conditions:
AIFM1-related disorder. Also called: AIFM1-related condition.
Combined oxidative phosphorylation deficiency. Identifiers: MedGen C4540031, MONDO:0000732.
Charcot-Marie-Tooth Neuropathy X. Identifiers: MedGen CN118851.
Charcot-Marie-Tooth disease X-linked recessive 4 (CMTX4). Also called: CHARCOT-MARIE-TOOTH DISEASE WITH DEAFNESS AND MENTAL RETARDATION; CHARCOT-MARIE-TOOTH DISEASE, X-LINKED RECESSIVE, 4, WITH OR WITHOUT CEREBELLAR ATAXIA; Cowchock syndrome. Identifiers: Orphanet 101078, MedGen C0795910, MONDO:0010689, OMIM 310490.
Tip-toe gait. Also called: Toe walking. Identifiers: MedGen C0427144, HP:0030051.

Allele frequency attached by ClinVar (database versions not stated): gnomAD 0.00010 and 0.00012; TOPMed 0.00014; ExAC 0.00018; gnomAD exomes 0.00019 and 0.00024.
gnomAD v4.1: 273 of 1,209,022 alleles (0.023%); highest among the groups gnomAD compares: Non-Finnish European, 0.025%; no homozygotes.

Submissions (7):

Women's Health and Genetics/Laboratory Corporation of America, LabCorp
Classification: Likely benign. Last evaluated: 2026-05-29. Review status: criteria provided, single submitter. Criteria: LabCorp Variant Classification Summary - May 2015. Collection method: clinical testing. Allele origin: germline.
Comment: Variant summary: AIFM1 c.1388G>T (p.Arg463Ile) results in a non-conservative amino acid change in the encoded protein sequence. Algorithms developed to predict the effect of missense changes on protein structure and function all suggest that this variant is likely to be disruptive. The variant allele was found at a frequency of 0.00019 in 183468 control chromosomes (gnomAD). This includes multiple hemizygous males, suggesting it is a benign polymorphism. c.1388G>T has been observed in individual(s) affected with AIFM1-related conditions (e.g. Gonzaga-Jauregui_2015). These report(s) do not provide unequivocal conclusions about association of the variant with disease. To our knowledge, no experimental evidence demonstrating an impact on protein function has been reported. The following publication has been ascertained in the context of this evaluation (PMID: 26257172). ClinVar contains an entry for this variant (Variation ID: 243069). Based on the evidence outlined above, the variant was classified as likely benign.

GeneDx
Classification: Uncertain significance. Last evaluated: 2025-08-05. Review status: criteria provided, single submitter. Criteria: GeneDx Variant Classification Process June 2021. Collection method: clinical testing. Allele origin: germline. Affected: yes.
Comment: Observed in a patient with NSD1-related Sotos syndrome who also had neuropathy (PMID: 26257172); Observed on one allele in a cohort of patients with Charcot-Marie-Tooth disease; zygosity, detailed clinical information, and segregation was not reported (PMID: 32376792); In silico analysis supports that this missense variant has a deleterious effect on protein structure/function; In silico analysis suggests this variant may impact gene splicing. In the absence of RNA/functional studies, the actual effect of this sequence change is unknown.; This variant is associated with the following publications: (PMID: 26257172, 32376792)

PreventionGenetics, part of Exact Sciences
Classification: Likely benign for AIFM1-related condition. Last evaluated: 2025-06-05. Review status: criteria provided, single submitter. Criteria: ACMG Guidelines, 2015. Collection method: clinical testing. Allele origin: germline.
Comment: This variant is classified as likely benign based on ACMG/AMP sequence variant interpretation guidelines (Richards et al. 2015 PMID: 25741868, with internal and published modifications).

Labcorp Genetics (formerly Invitae), Labcorp
Classification: Benign for Charcot-Marie-Tooth Neuropathy X; Combined oxidative phosphorylation deficiency. Last evaluated: 2025-06-03. Review status: criteria provided, single submitter. Criteria: Invitae Variant Classification Sherloc (09022015). Collection method: clinical testing. Allele origin: germline.

Blueprint Genetics
Classification: Likely benign. Last evaluated: 2024-06-19. Review status: criteria provided, single submitter. Criteria: ACMG Guidelines, 2015. Collection method: clinical testing. Allele origin: germline.

Lupski Lab, Baylor-Hopkins CMG, Baylor College of Medicine
Classification: Likely pathogenic for Charcot-Marie-Tooth disease X-linked recessive 4. Last evaluated: 2015-08-18. Review status: criteria provided, single submitter. Criteria: Gonzaga-Jauregui et al. (Cell Rep. 2015). Collection method: research. Allele origin: maternal. Inheritance: X-linked inheritance. Affected: yes. Observed: 1 variant allele, 1 heterozygote.
Comment: Likely pathogenic based on conservation and prediction scores (Phylop, Polyphen, SIFT, MutationTaster) and consistent with neuropathy of patient.

Practice for Gait Abnormalities, David Pomarino, Competency Network Toe Walking C/o Practice Pomarino
Classification: Likely pathogenic for Tip-toe gait. Last evaluated: 2021-03-12. Review status: no assertion criteria provided. Collection method: clinical testing. Allele origin: germline. Affected: yes. Not counted in ClinVar's aggregate classification.
Comment: Hereditary motor sensory neuropathy (HMSN), also known as Charcot-Marie-Tooth Disease (CMT), is the most commonly inherited peripheral polyneuropathy. It constitutes a group of inherited, progressive, motor and sensory peripheral nerve disorders with properties of demyelination, axonal degeneration, or both. It is classified by clinical characteristics, modes of inheritance, electrophysiologic features, metabolic defects, and specific gene markers. Our patients all walk on tiptoe, so they show similar symptoms. When we genetically test them with our toe walking panel, we find that around 90 per cent of them have a genetic variant that explains their toe walking. These can be assigned, for example, to the area of myopathies (such as variants of the COL6A3 gene), the area of hereditary neuropathies (such as variants of the KMT2C gene) or the area of metabolic diseases (such as variants of the PYGM gene). In a smaller group of patients with almost identical symptoms, no abnormality is found in the genes of our panel, but spastic paraplegia can be detected. In another small group of our toe walkers, no abnormalities can be detected in the genes analysed in our toe walking panel, nor do they suffer from spastic paraplegia, as is also the case with healthy children. In contrast to these, however, they show a tiptoe gait. These patients suffer from infantile cerebral palsy, in which toe walking can also be observed.

Literature cited by the submitters: PubMed 26257172 (cited by Women's Health and Genetics/Laboratory Corporation of America, LabCorp); PubMed 37091313 (cited by Practice for Gait Abnormalities, David Pomarino, Competency Network Toe Walking C/o Practice Pomarino).

NM_004208.4(AIFM1):c.1388G>T (p.Arg463Ile)

Genes: AIFM1 (apoptosis inducing factor mitochondria associated 1; minus strand), RAB33A (RAB33A, member RAS oncogene family; plus strand). Cytogenetic location: Xq26.1.
Variant type: single nucleotide variant.
Coding change: c.1388G>T on transcript NM_004208.4 (MANE Select); coding-DNA position 1388, G replaced by T.
Protein change: p.Arg463Ile; replaces arginine 463 with isoleucine.
Molecular consequence: missense variant. On other transcripts: 3 prime UTR variant (1), non-coding transcript variant (1).
Genome position (GRCh38, 1-based): chrX:130,133,373, C>A on the plus strand (G>T on the coding strand, the complement: AIFM1 is on the minus strand). VCF-style: chrX-130133373-C-A. GRCh37 (hg19) VCF-style: chrX-129267348-C-A.
Other names: c.371G>T, p.Arg124Ile (NM_001130846.4); c.*616G>T (NM_001130847.4); c.1376G>T, p.Arg459Ile (NM_145812.3); short protein forms R459I, R463I, R124I.
Identifiers: ClinVar variation 243069 (VCV000243069.18), dbSNP rs202219398, ClinGen allele CA10515294.